The following is an entry in ClinVar:

ClinVar aggregate classification (germline): Uncertain significance (1 of 4 stars; one submission).

Submission:

Mayo Clinic Laboratories, Mayo Clinic
Classification: Uncertain significance. Last evaluated: 2024-12-05. Review status: criteria provided, single submitter. Criteria: ACMG Guidelines, 2015. Collection method: clinical testing. Allele origin: germline. Observed: 1 variant allele.
Comment: PM2_supporting

NM_005787.6(ALG3):c.562C>T (p.Leu188Phe)

Gene: ALG3 (ALG3 alpha-1,3- mannosyltransferase; minus strand). Cytogenetic location: 3q27.1.
Variant type: single nucleotide variant.
Coding change: c.562C>T on transcript NM_005787.6 (MANE Select); coding-DNA position 562, C replaced by T.
Protein change: p.Leu188Phe; replaces leucine 188 with phenylalanine.
Molecular consequence: missense variant. On other transcripts: non-coding transcript variant (2).
Genome position (GRCh38, 1-based): chr3:184,245,241, G>A on the plus strand (C>T on the coding strand, the complement: ALG3 is on the minus strand). VCF-style: chr3-184245241-G-A. GRCh37 (hg19) VCF-style: chr3-183963029-G-A.
Other names: p.Leu188Phe; c.418C>T, p.Leu140Phe (NM_001006941.2); short protein forms L140F, L188F.
Identifiers: ClinVar variation 4540953 (VCV004540953.1).